The following is an entry in ClinVar:

NM_006389.5(HYOU1):c.1960G>C (p.Glu654Gln)

Gene: HYOU1 (hypoxia up-regulated 1; minus strand). Cytogenetic location: 11q23.3.
Variant type: single nucleotide variant.
Coding change: c.1960G>C on transcript NM_006389.5 (MANE Select); coding-DNA position 1960, G replaced by C.
Protein change: p.Glu654Gln; replaces glutamic acid 654 with glutamine.
Molecular consequence: missense variant.
Genome position (GRCh38, 1-based): chr11:119,049,050, C>G on the plus strand (G>C on the coding strand, the complement: HYOU1 is on the minus strand). VCF-style: chr11-119049050-C-G. GRCh37 (hg19) VCF-style: chr11-118919762-C-G.
Other names: c.1960G>C, p.Glu654Gln (NM_001130991.3); short protein forms E654Q.
Identifiers: ClinVar variation 1058688 (VCV001058688.7), dbSNP rs1944254809, ClinGen allele CA382930343.

ClinVar aggregate classification (germline): Uncertain significance (1 of 4 stars; one submission).

Allele frequency attached by ClinVar (database versions not stated): gnomAD 0.00002.
gnomAD v4.1: 3 of 1,614,110 alleles (0.00019%); highest among the groups gnomAD compares: Admixed American, 0.005%; no homozygotes.

Submission:

Labcorp Genetics (formerly Invitae), Labcorp
Classification: Uncertain significance. Last evaluated: 2020-10-07. Review status: criteria provided, single submitter. Criteria: Invitae Variant Classification Sherloc (09022015). Collection method: clinical testing. Allele origin: germline.
Comment: This sequence change replaces glutamic acid with glutamine at codon 654 of the HYOU1 protein (p.Glu654Gln). The glutamic acid residue is moderately conserved and there is a small physicochemical difference between glutamic acid and glutamine. This variant is not present in population databases (ExAC no frequency). This variant has not been reported in the literature in individuals with HYOU1-related conditions. Algorithms developed to predict the effect of missense changes on protein structure and function are either unavailable or do not agree on the potential impact of this missense change (SIFT: "Not Available"; PolyPhen-2: "Benign"; Align-GVGD: "Not Available"). In summary, the available evidence is currently insufficient to determine the role of this variant in disease. Therefore, it has been classified as a Variant of Uncertain Significance.